The following is an entry in ClinVar:

ClinVar aggregate classification (germline): Pathogenic. Review status: reviewed by expert panel (3 of 4 stars). 7 submissions from 7 submitters: Pathogenic (1). 6 of the submissions do not count toward it. Last evaluated 2017-03-17.

Conditions:
CFTR-related disorder (CFTR-RD). Also called: CFTR-related condition; CFTR-related disorders. Identifiers: MedGen C5924204, MONDO:7770004.
Cystic fibrosis (CF). Also called: MUCOVISCIDOSIS. Identifiers: Orphanet 586, MedGen C0010674, MONDO:0009061, OMIM 219700. Disease mechanism: loss of function.

Submissions (7):

CFTR2
Classification: Pathogenic for Cystic fibrosis. Last evaluated: 2017-03-17. Review status: reviewed by expert panel. Criteria: Sosnay PR et al. (Nat Genet 2013). Collection method: research. Allele origin: germline. Affected: yes. Study: CFTR2.

Johns Hopkins Genomics, Johns Hopkins University
Classification: Pathogenic for Cystic fibrosis. Last evaluated: 2023-08-09. Review status: criteria provided, single submitter. Criteria: ACMG Guidelines, 2015. Collection method: clinical testing. Allele origin: germline. Not counted in ClinVar's aggregate classification.
Comment: Disease-causing CFTR variant. See CFTR2 for phenotype information.

Women's Health and Genetics/Laboratory Corporation of America, LabCorp
Classification: Pathogenic for Cystic fibrosis. Last evaluated: 2023-04-25. Review status: criteria provided, single submitter. Criteria: LabCorp Variant Classification Summary - May 2015. Collection method: clinical testing. Allele origin: germline. Not counted in ClinVar's aggregate classification.
Comment: Variant summary: CFTR c.3304A>T (p.Arg1102X) results in a premature termination codon, predicted to cause a truncation of the encoded protein or absence of the protein due to nonsense mediated decay, which are commonly known mechanisms for disease. Variants downstream of this position have been classified as pathogenic by our laboratory. The variant was absent in 251048 control chromosomes (gnomAD). c.3304A>T has been reported in the literature in individuals affected with Cystic Fibrosis (e.g. Sobczynska-Tomaszewska_2013, Girardet_2007, Raraigh_2022, McCague_2019). These data indicate that the variant is likely to be associated with disease. To our knowledge, no experimental evidence demonstrating an impact on protein function has been reported. The following publications have been ascertained in the context of this evaluation (PMID: 17850636, 30888834, 34782259, 22892530). Five ClinVar submitters, including one expert panel (CFTR2), have assessed the variant since 2014: all five submitters classified the variant as pathogenic. Based on the evidence outlined above, the variant was classified as pathogenic.

Institute of Human Genetics, University of Leipzig Medical Center
Classification: Pathogenic for Cystic fibrosis. Last evaluated: 2022-09-05. Review status: criteria provided, single submitter. Criteria: ACMG Guidelines, 2015. Collection method: curation. Allele origin: unknown. Affected: yes. Observed: 2 variant alleles. Not counted in ClinVar's aggregate classification.
Comment: This variant was identified in 2 unrelated patients with a clinically confirmed diagnosis of cystic fibrosis. The variant was classified in the context of a project re-classifying variants in the German Cystic Fibrosis Registry (Muko.e.V.). Criteria applied: PVS1, PM3_STR, PM2_SUP, PP4

Labcorp Genetics (formerly Invitae), Labcorp
Classification: Pathogenic for Cystic fibrosis. Last evaluated: 2022-02-04. Review status: criteria provided, single submitter. Criteria: Invitae Variant Classification Sherloc (09022015). Collection method: clinical testing. Allele origin: germline. Not counted in ClinVar's aggregate classification.
Comment: ClinVar contains an entry for this variant (Variation ID: 53713). For these reasons, this variant has been classified as Pathogenic. This premature translational stop signal has been observed in individual(s) with cystic fibrosis (PMID: 22892530). This variant is not present in population databases (gnomAD no frequency). This sequence change creates a premature translational stop signal (p.Arg1102*) in the CFTR gene. It is expected to result in an absent or disrupted protein product. Loss-of-function variants in CFTR are known to be pathogenic (PMID: 1695717, 7691345, 9725922).

CFTR-France
Classification: Pathogenic for cystic fibrosis. Last evaluated: 2018-01-29. Review status: criteria provided, single submitter. Criteria: Claustres M et al. (Hum Mutat 2017). Collection method: curation. Allele origin: germline. Affected: yes. Not counted in ClinVar's aggregate classification.

Natera, Inc.
Classification: Pathogenic for CFTR-related disorders. Last evaluated: 2017-03-17. Review status: no assertion criteria provided. Collection method: clinical testing. Allele origin: germline. Not counted in ClinVar's aggregate classification.

Literature cited by the submitters: PubMed 26656651 (cited by Johns Hopkins Genomics, Johns Hopkins University); PubMed 17850636 (cited by Women's Health and Genetics/Laboratory Corporation of America, LabCorp); PubMed 22892530 (cited by Women's Health and Genetics/Laboratory Corporation of America, LabCorp and Labcorp Genetics (formerly Invitae), Labcorp); PubMed 30888834 (cited by Women's Health and Genetics/Laboratory Corporation of America, LabCorp); PubMed 34782259 (cited by Women's Health and Genetics/Laboratory Corporation of America, LabCorp); PubMed 1695717 (cited by Labcorp Genetics (formerly Invitae), Labcorp); PubMed 7691345 (cited by Labcorp Genetics (formerly Invitae), Labcorp); PubMed 9725922 (cited by Labcorp Genetics (formerly Invitae), Labcorp).

NM_000492.4(CFTR):c.3304A>T (p.Arg1102Ter)

Genes: CFTR (CF transmembrane conductance regulator; plus strand), CFTR-AS2 (CFTR antisense RNA 2; minus strand), LOC111674472 (DNase I hypersensitive sites in introns 16 and 17a of CFTR; plus strand). Cytogenetic location: 7q31.2.
Variant type: single nucleotide variant.
Coding change: c.3304A>T on transcript NM_000492.4 (MANE Select); coding-DNA position 3304, A replaced by T.
Protein change: p.Arg1102Ter; replaces arginine 1102 with a stop codon.
Molecular consequence: nonsense.
Genome position (GRCh38, 1-based): chr7:117,611,745, A>T. VCF-style: chr7-117611745-A-T. GRCh37 (hg19) VCF-style: chr7-117251799-A-T.
Other names: short protein forms R1102*.
Identifiers: ClinVar variation 53713 (VCV000053713.14), dbSNP rs397508536, ClinGen allele CA327138.